The following is an entry in ClinVar:

ClinVar aggregate classification (germline): Likely benign (1 of 4 stars; one submission).

Conditions:
EP300-related disorder. Also called: EP300-related condition; EP300-related disorders.

Submission:

PreventionGenetics, part of Exact Sciences
Classification: Likely benign for EP300-related condition. Last evaluated: 2025-08-14. Review status: criteria provided, single submitter. Criteria: ACMG Guidelines, 2015. Collection method: clinical testing. Allele origin: germline.
Comment: This variant is classified as likely benign based on ACMG/AMP sequence variant interpretation guidelines (Richards et al. 2015 PMID: 25741868, with internal and published modifications).

NM_001429.4(EP300):c.5139T>C (p.Asp1713=)

Gene: EP300 (EP300 lysine acetyltransferase; plus strand). Cytogenetic location: 22q13.2.
Variant type: single nucleotide variant.
Coding change: c.5139T>C on transcript NM_001429.4 (MANE Select); coding-DNA position 5139, T replaced by C.
Protein change: p.Asp1713=; no amino-acid change (aspartic acid 1713 retained).
Molecular consequence: synonymous variant.
Genome position (GRCh38, 1-based): chr22:41,176,850, T>C. VCF-style: chr22-41176850-T-C. GRCh37 (hg19) VCF-style: chr22-41572854-T-C.
Other names: c.5061T>C, p.Asp1687= (NM_001362843.2).
Identifiers: ClinVar variation 4981828 (VCV004981828.1).